The following is an entry in ClinVar:

ClinVar aggregate classification (germline): Likely benign. Review status: criteria provided, multiple submitters, no conflicts (2 of 4 stars). 2 submissions from 2 submitters: Likely benign (2). Last evaluated 2025-02-24.

Allele frequency attached by ClinVar (database versions not stated): gnomAD 0.00013; gnomAD exomes 0.00014; ExAC 0.00017; TOPMed 0.00017; 1000 Genomes Project 0.00040; 1000 Genomes Project 30x 0.00047.
gnomAD v4.1: 244 of 1,614,148 alleles (0.015%); highest among the groups gnomAD compares: Middle Eastern, 0.25%; 1 homozygote.

Submissions (2):

Labcorp Genetics (formerly Invitae), Labcorp
Classification: Likely benign. Last evaluated: 2025-02-24. Review status: criteria provided, single submitter. Criteria: Invitae Variant Classification Sherloc (09022015). Collection method: clinical testing. Allele origin: germline.

CeGaT Center for Human Genetics Tuebingen
Classification: Likely benign. Last evaluated: 2023-06-01. Review status: criteria provided, single submitter. Criteria: CeGaT Center For Human Genetics Tuebingen Variant Classification Criteria Version 2. Collection method: clinical testing. Allele origin: germline. Affected: yes. Observed: 1 variant allele.
Comment: RBFOX2: BP4, BP7

NM_001349999.2(RBFOX2):c.543G>A (p.Pro181=)

Gene: RBFOX2 (RNA binding fox-1 homolog 2; minus strand). Cytogenetic location: 22q12.3.
Variant type: single nucleotide variant.
Coding change: c.543G>A on transcript NM_001349999.2 (MANE Select); coding-DNA position 543, G replaced by A.
Protein change: p.Pro181=; no amino-acid change (proline 181 retained).
Molecular consequence: synonymous variant.
Genome position (GRCh38, 1-based): chr22:35,781,666, C>T on the plus strand (G>A on the coding strand, the complement: RBFOX2 is on the minus strand). VCF-style: chr22-35781666-C-T. GRCh37 (hg19) VCF-style: chr22-36177713-C-T.
Other names: c.330G>A, p.Pro110= (NM_001031695.4, NM_001082576.3, NM_001082577.3 and 2 more transcripts); c.543G>A, p.Pro181= (NM_001082578.4, NM_001394109.1, NM_001394112.1 and 1 more transcripts); c.540G>A, p.Pro180= (NM_001082579.3, NM_001394108.1, NM_001394110.1 and 3 more transcripts); c.396G>A, p.Pro132= (NM_001349982.2, NM_001349989.2, NM_001349990.2 and 4 more transcripts); c.399G>A, p.Pro133= (NM_001349996.2); c.333G>A, p.Pro111= (NM_001349997.2, NM_014309.4).
Identifiers: ClinVar variation 2653096 (VCV002653096.27), dbSNP rs200137291, ClinGen allele CA10206960.